The following is an entry in ClinVar:

ClinVar aggregate classification (germline): Likely benign (1 of 4 stars; one submission).

Submission:

CeGaT Center for Human Genetics Tuebingen
Classification: Likely benign. Last evaluated: 2022-04-01. Review status: criteria provided, single submitter. Criteria: CeGaT Center For Human Genetics Tuebingen Variant Classification Criteria Version 2. Collection method: clinical testing. Allele origin: germline. Affected: yes. Observed: 1 variant allele.
Comment: CACNA1H: PM2:Supporting, BP4, BP7

NM_021098.3(CACNA1H):c.1605C>T (p.Ser535=)

Gene: CACNA1H (calcium voltage-gated channel subunit alpha1 H; plus strand). Cytogenetic location: 16p13.3.
Variant type: single nucleotide variant.
Coding change: c.1605C>T on transcript NM_021098.3 (MANE Select); coding-DNA position 1605, C replaced by T.
Protein change: p.Ser535=; no amino-acid change (serine 535 retained).
Molecular consequence: synonymous variant.
Genome position (GRCh38, 1-based): chr16:1,202,055, C>T. VCF-style: chr16-1202055-C-T. GRCh37 (hg19) VCF-style: chr16-1252055-C-T.
Other names: c.1605C>T, p.Ser535= (NM_001005407.2).
Identifiers: ClinVar variation 2645877 (VCV002645877.24), dbSNP rs1257426479, ClinGen allele CA493020007.